The following is an entry in ClinVar:

NC_000001.10:g.(?_237837376)_(237995947_?)dup

Gene: RYR2 (ryanodine receptor 2; plus strand). Cytogenetic location: 1q43.
Variant type: Duplication.
Identifiers: ClinVar variation 3247737 (VCV003247737.1).

ClinVar aggregate classification (germline): Uncertain significance (1 of 4 stars; one submission).

Conditions:
Catecholaminergic polymorphic ventricular tachycardia 1. Also called: RYR2-Related Catecholaminergic Polymorphic Ventricular Tachycardia; VENTRICULAR TACHYCARDIA, CATECHOLAMINERGIC POLYMORPHIC, 1, WITH OR WITHOUT ATRIAL DYSFUNCTION AND/OR DILATED CARDIOMYOPATHY; VENTRICULAR TACHYCARDIA, STRESS-INDUCED POLYMORPHIC 1. Identifiers: Orphanet 3286, MedGen C1631597, MONDO:0011484, OMIM 604772.

Submission:

Labcorp Genetics (formerly Invitae), Labcorp
Classification: Uncertain significance for Catecholaminergic polymorphic ventricular tachycardia 1. Last evaluated: 2024-01-12. Review status: criteria provided, single submitter. Criteria: Invitae Variant Classification Sherloc (09022015). Collection method: clinical testing. Allele origin: unknown.
Comment: This variant results in a copy number gain of the genomic region encompassing exon(s) 59-105 of the RYR2 gene. This region includes the termination codon of the gene. This copy number gain extends beyond the assayed region for this gene and therefore may encompass additional genes. As the precise location of this event is unknown, it may be in tandem or it may be located elsewhere in the genome. This variant has not been reported in the literature in individuals affected with RYR2-related conditions. Experimental studies and prediction algorithms are not available or were not evaluated, and the functional significance of this variant is currently unknown. In summary, the available evidence is currently insufficient to determine the role of this variant in disease. Therefore, it has been classified as a Variant of Uncertain Significance.